The following is an entry in ClinVar:

ClinVar aggregate classification (germline): Likely benign (1 of 4 stars; one submission).

Conditions:
Pilarowski-Bjornsson syndrome. Also called: DEVELOPMENTAL DELAY AND SPEECH APRAXIA WITH OR WITHOUT SEIZURES. Identifiers: Orphanet 529965, MedGen C4540131, MONDO:0060568, OMIM 617682.

Submission:

Centre for Medical Genetics,  Mumbai
Classification: Likely benign for Pilarowski-Bjornsson syndrome. Last evaluated: 2026-04-18. Review status: criteria provided, single submitter. Criteria: ACMG Guidelines, 2015. Collection method: provider interpretation. Allele origin: germline. Inheritance: Autosomal dominant inheritance. Affected: no. Observed: 1 variant allele, 1 heterozygote.
Comment: The variant satisfies PVS1 criteria - null variant in a gene where loss of function is a known mechanism of disease. The variant satisfies PM2 criteria - extremely low frequency in gnomAD population databases. However, the variant satisfies BS2 criteria - present in heterozygous state in an individual that clinically does not have Pilarowski-Bjornsson syndrome.

Literature cited by the submitters: PubMed 28866611.

NM_001270.4(CHD1):c.5073del (p.Phe1691fs)

Gene: CHD1 (chromodomain helicase DNA binding protein 1; minus strand). Cytogenetic location: 5q15.
Variant type: Deletion.
Coding change: c.5073del on transcript NM_001270.4 (MANE Select); coding-DNA position 5073, one base deleted (T; older notation c.5073delT).
Protein change: p.Phe1691fs; shifts the reading frame from phenylalanine 1691.
Molecular consequence: frameshift variant. On other transcripts: non-coding transcript variant (2).
Genome position (GRCh38, 1-based): chr5:98,856,440, A deleted on the plus strand (T on the coding strand, the reverse complement: CHD1 is on the minus strand); the first of 3 consecutive A bases (chr5:98,856,440-98,856,442); deleting any one gives the same sequence. VCF-style (leftmost placement, unchanged base first): chr5-98856439-CA-C. GRCh37 (hg19) VCF-style: chr5-98192143-CA-C.
Other names: c.5337del, p.Phe1779fs (NM_001364113.3); c.5073del, p.Phe1691fs (NM_001376194.2); short protein forms F1691fs, F1779fs.
Identifiers: ClinVar variation 4851397 (VCV004851397.1).